The following is an entry in ClinVar:

NM_004667.6(HERC2):c.7331G>A (p.Arg2444His)

Gene: HERC2 (HECT and RLD domain containing E3 ubiquitin protein ligase 2; minus strand). Cytogenetic location: 15q13.1.
Variant type: single nucleotide variant.
Coding change: c.7331G>A on transcript NM_004667.6 (MANE Select); coding-DNA position 7331, G replaced by A.
Protein change: p.Arg2444His; replaces arginine 2444 with histidine.
Molecular consequence: missense variant.
Genome position (GRCh38, 1-based): chr15:28,202,496, C>T on the plus strand (G>A on the coding strand, the complement: HERC2 is on the minus strand). VCF-style: chr15-28202496-C-T. GRCh37 (hg19) VCF-style: chr15-28447642-C-T.
Other names: short protein forms R2444H.
Identifiers: ClinVar variation 1316332 (VCV001316332.2), dbSNP rs773782442, ClinGen allele CA7441849.
Genomic context (GRCh38, chr15:28,202,496, plus strand): 5'-TGCACCACGATCGGCAGAGCGGGAACGGGCGACTGCTTGCGCCTCTTCACTCTGGCAGGG[C>T]GGATGTGCTGCACGGCGACAGGCGTGGTGGCCTCACTGGAGCTGCAGTCTTCAAATCCTG-3'
Protein context (NP_004658.3, residues 2434-2454): ATTPVAVQHI[Arg2444His]PARVKRRKQS

ClinVar aggregate classification (germline): Uncertain significance (1 of 4 stars; one submission).

Allele frequency attached by ClinVar (database versions not stated): gnomAD 0.00001; gnomAD exomes 0.00001 and 0.00002; ExAC 0.00006.
gnomAD v4.1: 21 of 1,383,730 alleles (0.0015%); highest among the groups gnomAD compares: Middle Eastern, 0.019%; no homozygotes.

Submission:

GeneDx
Classification: Uncertain significance. Last evaluated: 2019-10-02. Review status: criteria provided, single submitter. Criteria: GeneDx Variant Classification Process June 2021. Collection method: clinical testing. Allele origin: germline. Affected: yes.
Comment: In silico analysis, which includes protein predictors and evolutionary conservation, supports that this variant does not alter protein structure/function; Has not been previously published as pathogenic or benign to our knowledge